The following is an entry in ClinVar:

NM_005591.4(MRE11):c.1736G>A (p.Gly579Glu)

Gene: MRE11 (MRE11 double strand break repair nuclease; minus strand). Cytogenetic location: 11q21.
Variant type: single nucleotide variant.
Coding change: c.1736G>A on transcript NM_005591.4 (MANE Select); coding-DNA position 1736, G replaced by A.
Protein change: p.Gly579Glu; replaces glycine 579 with glutamic acid.
Molecular consequence: missense variant.
Genome position (GRCh38, 1-based): chr11:94,447,266, C>T on the plus strand (G>A on the coding strand, the complement: MRE11 is on the minus strand). VCF-style: chr11-94447266-C-T. GRCh37 (hg19) VCF-style: chr11-94180432-C-T.
Other names: c.1736G>A, p.Gly579Glu (NM_001330347.2, NM_005590.4); short protein forms G579E.
Identifiers: ClinVar variation 220076 (VCV000220076.14), dbSNP rs757916109, ClinGen allele CA348130.

ClinVar aggregate classification (germline): Uncertain significance. Review status: criteria provided, multiple submitters, no conflicts (2 of 4 stars). 4 submissions from 4 submitters: Uncertain significance (4). Last evaluated 2025-06-30.

Conditions:
Ataxia-telangiectasia-like disorder (ATLD). Identifiers: MedGen C1858391, MONDO:0011457.
Hereditary cancer-predisposing syndrome. Also called: Hereditary neoplastic syndrome; Tumor predisposition; Hereditary Cancer Syndrome; Neoplastic Syndromes, Hereditary. Identifiers: Orphanet 140162, MedGen C0027672, MeSH D009386, MONDO:0015356.
Ataxia-telangiectasia-like disorder 1 (ATLD1). Identifiers: Orphanet 251347, MedGen C4012790, MONDO:0024557, OMIM 604391.

Allele frequency attached by ClinVar (database versions not stated): gnomAD exomes 0.00001 and 0.00002; ExAC 0.00003; gnomAD 0.00009; TOPMed 0.00011.
gnomAD v4.1: 18 of 1,613,916 alleles (0.0011%); highest among the groups gnomAD compares: African/African-American, 0.024%; no homozygotes.

Submissions (4):

Labcorp Genetics (formerly Invitae), Labcorp
Classification: Uncertain significance for Ataxia-telangiectasia-like disorder. Last evaluated: 2025-06-30. Review status: criteria provided, single submitter. Criteria: Invitae Variant Classification Sherloc (09022015). Collection method: clinical testing. Allele origin: germline.
Comment: This sequence change replaces glycine, which is neutral and non-polar, with glutamic acid, which is acidic and polar, at codon 579 of the MRE11 protein (p.Gly579Glu). This variant is present in population databases (rs757916109, gnomAD 0.03%). This variant has not been reported in the literature in individuals affected with MRE11-related conditions. ClinVar contains an entry for this variant (Variation ID: 220076). An algorithm developed to predict the effect of missense changes on protein structure and function (PolyPhen-2) suggests that this variant is likely to be tolerated. In summary, the available evidence is currently insufficient to determine the role of this variant in disease. Therefore, it has been classified as a Variant of Uncertain Significance.

Ambry Genetics
Classification: Uncertain significance for Hereditary cancer-predisposing syndrome. Last evaluated: 2023-12-29. Review status: criteria provided, single submitter. Criteria: Ambry Variant Classification Scheme 2023. Collection method: clinical testing. Allele origin: germline.
Comment: The p.G579E variant (also known as c.1736G>A), located in coding exon 14 of the MRE11A gene, results from a G to A substitution at nucleotide position 1736. The glycine at codon 579 is replaced by glutamic acid, an amino acid with similar properties. This amino acid position is not well conserved in available vertebrate species. In addition, this alteration is predicted to be tolerated by in silico analysis. Since supporting evidence is limited at this time, the clinical significance of this alteration remains unclear.

Baylor Genetics
Classification: Uncertain significance for Ataxia-telangiectasia-like disorder 1. Last evaluated: 2023-05-01. Review status: criteria provided, single submitter. Criteria: ACMG Guidelines, 2015. Collection method: clinical testing. Allele origin: unknown.

Sema4
Classification: Uncertain significance for Hereditary cancer-predisposing syndrome. Last evaluated: 2021-12-16. Review status: criteria provided, single submitter. Criteria: Sema4 Curation Guidelines. Collection method: curation. Allele origin: germline.
Comment: To the best of our knowledge, the MRE11 c.1736G>A (p.G579E) variant has not been reported in individuals with MRE11-related disease. This variant was observed in 7/24968 chromosomes in the African/African American population, according to the Genome Aggregation Database (PMID: 32461654). This variant has been reported in ClinVar (Variation ID: 220076). Functional studies have not been performed, and in silico predictions of the variant's effect on protein function are inconclusive. The evidence is insufficient to meet ACMG/AMP criteria for classifying the variant as benign or pathogenic. Thus, the clinical significance of this variant is currently uncertain.